The following is an entry in ClinVar:

ClinVar aggregate classification (germline): Uncertain significance (1 of 4 stars; one submission).

Conditions:
Joubert syndrome. Also called: CEREBELLOPARENCHYMAL DISORDER IV; JOUBERT-BOLTSHAUSER SYNDROME; Familial aplasia of the vermis. Identifiers: Orphanet 475, MedGen C5979921, MONDO:0018772.
Meckel-Gruber syndrome. Also called: DYSENCEPHALIA SPLANCHNOCYSTICA; GRUBER SYNDROME; Dysencephalia splachnocystica. Identifiers: Orphanet 564, MedGen C0265215, MONDO:0018921.

Submission:

Labcorp Genetics (formerly Invitae), Labcorp
Classification: Uncertain significance for Joubert syndrome; Meckel-Gruber syndrome. Last evaluated: 2025-04-21. Review status: criteria provided, single submitter. Criteria: Invitae Variant Classification Sherloc (09022015). Collection method: clinical testing. Allele origin: germline.
Comment: This sequence change replaces serine, which is neutral and polar, with cysteine, which is neutral and slightly polar, at codon 362 of the MKS1 protein (p.Ser362Cys). This variant is not present in population databases (gnomAD no frequency). This variant has not been reported in the literature in individuals affected with MKS1-related conditions. ClinVar contains an entry for this variant (Variation ID: 2009993). Invitae Evidence Modeling of protein sequence and biophysical properties (such as structural, functional, and spatial information, amino acid conservation, physicochemical variation, residue mobility, and thermodynamic stability) indicates that this missense variant is not expected to disrupt MKS1 protein function with a negative predictive value of 80%. In summary, the available evidence is currently insufficient to determine the role of this variant in disease. Therefore, it has been classified as a Variant of Uncertain Significance.

NM_017777.4(MKS1):c.1085C>G (p.Ser362Cys)

Gene: MKS1 (MKS transition zone complex subunit 1; minus strand). Cytogenetic location: 17q22.
Variant type: single nucleotide variant.
Coding change: c.1085C>G on transcript NM_017777.4 (MANE Select); coding-DNA position 1085, C replaced by G.
Protein change: p.Ser362Cys; replaces serine 362 with cysteine.
Molecular consequence: missense variant.
Genome position (GRCh38, 1-based): chr17:58,208,523, G>C on the plus strand (C>G on the coding strand, the complement: MKS1 is on the minus strand). VCF-style: chr17-58208523-G-C. GRCh37 (hg19) VCF-style: chr17-56285884-G-C.
Other names: c.476C>G, p.Ser159Cys (NM_001321268.2); c.1085C>G, p.Ser362Cys (NM_001321269.2, NM_001330397.2, NM_001411113.1); short protein forms S159C, S362C.
Identifiers: ClinVar variation 2009993 (VCV002009993.4), dbSNP rs2509416236, ClinGen allele CA400325799.
Genomic context (GRCh38, chr17:58,208,523, plus strand): 5'-CCAGGAGCAGATCTCATTCCCTTCCAGATACCCGCTCTCATTCTCCATACCATTGCCAGG[G>C]ACTTGGTGGTGCAGGTCTGTGTTACTCCTGAGAGCTGCTGGAATGCTGGGCTTGACCAGT-3'
Protein context (NP_060247.2, residues 352-372): SGVTQTCTTK[Ser362Cys]LAMDKVAHFS